The following is an entry in ClinVar:

ClinVar aggregate classification (germline): Uncertain significance (1 of 4 stars; one submission).

Allele frequency attached by ClinVar (database versions not stated): ExAC 0.00005.
gnomAD v4.1: 21 of 1,611,074 alleles (0.0013%); highest among the groups gnomAD compares: South Asian, 0.023%; no homozygotes.

Submission:

GeneDx
Classification: Uncertain significance. Last evaluated: 2022-08-19. Review status: criteria provided, single submitter. Criteria: GeneDx Variant Classification Process June 2021. Collection method: clinical testing. Allele origin: germline. Affected: yes.
Comment: In silico analysis supports that this missense variant has a deleterious effect on protein structure/function; Has not been previously published as pathogenic or benign to our knowledge

NM_176787.5(PIGN):c.329G>A (p.Ser110Asn)

Gene: PIGN (phosphatidylinositol glycan anchor biosynthesis class N; minus strand). Cytogenetic location: 18q21.33.
Variant type: single nucleotide variant.
Coding change: c.329G>A on transcript NM_176787.5 (MANE Select); coding-DNA position 329, G replaced by A.
Protein change: p.Ser110Asn; replaces serine 110 with asparagine.
Molecular consequence: missense variant.
Genome position (GRCh38, 1-based): chr18:62,157,701, C>T on the plus strand (G>A on the coding strand, the complement: PIGN is on the minus strand). VCF-style: chr18-62157701-C-T. GRCh37 (hg19) VCF-style: chr18-59824934-C-T.
Other names: c.329G>A, p.Ser110Asn (NM_012327.6); short protein forms S110N.
Identifiers: ClinVar variation 2430892 (VCV002430892.1), dbSNP rs746450459, ClinGen allele CA8982611.